The following is an entry in ClinVar:

NM_001386298.1(CIC):c.3581G>T (p.Ser1194Ile)

Gene: CIC (capicua transcriptional repressor; plus strand). Cytogenetic location: 19q13.2.
Variant type: single nucleotide variant.
Coding change: c.3581G>T on transcript NM_001386298.1 (MANE Select); coding-DNA position 3581, G replaced by T.
Protein change: p.Ser1194Ile; replaces serine 1194 with isoleucine.
Molecular consequence: missense variant.
Genome position (GRCh38, 1-based): chr19:42,287,898, G>T. VCF-style: chr19-42287898-G-T. GRCh37 (hg19) VCF-style: chr19-42792050-G-T.
Other names: c.3581G>T, p.Ser1194Ile (NM_001304815.2, NM_001379480.1, NM_001379482.1); c.854G>T, p.Ser285Ile (NM_001379484.1, NM_001379485.1, NM_015125.5); short protein forms S1194I, S285I.
Identifiers: ClinVar variation 4072784 (VCV004072784.1).

ClinVar aggregate classification (germline): Uncertain significance (1 of 4 stars; one submission).

gnomAD v4.1: 7 of 1,610,266 alleles (0.00043%); highest among the groups gnomAD compares: African/African-American, 0.008%; no homozygotes.

Submission:

GeneDx
Classification: Uncertain significance. Last evaluated: 2025-01-31. Review status: criteria provided, single submitter. Criteria: GeneDx Variant Classification Process June 2021. Collection method: clinical testing. Allele origin: germline. Affected: yes.
Comment: Not observed at significant frequency in large population cohorts (gnomAD); In silico analysis indicates that this missense variant does not alter protein structure/function; Has not been previously published as pathogenic or benign to our knowledge